The following is an entry in ClinVar:

NM_020435.4(GJC2):c.1241G>T (p.Arg414Leu)

Gene: GJC2 (gap junction protein gamma 2; plus strand). Cytogenetic location: 1q42.13.
Variant type: single nucleotide variant.
Coding change: c.1241G>T on transcript NM_020435.4 (MANE Select); coding-DNA position 1241, G replaced by T.
Protein change: p.Arg414Leu; replaces arginine 414 with leucine.
Molecular consequence: missense variant.
Genome position (GRCh38, 1-based): chr1:228,158,999, G>T. VCF-style: chr1-228158999-G-T. GRCh37 (hg19) VCF-style: chr1-228346700-G-T.
Other names: c.1241G>T (NM_020435.3); short protein forms R414L.
Identifiers: ClinVar variation 1014008 (VCV001014008.9), dbSNP rs775352391, ClinGen allele CA1430973.

ClinVar aggregate classification (germline): Uncertain significance. Review status: criteria provided, multiple submitters, no conflicts (2 of 4 stars). 2 submissions from 2 submitters: Uncertain significance (2). Last evaluated 2025-09-09.

Conditions:
GJC2-related disorder. Also called: GJC2-related disorders; GJC2-related condition. Identifiers: MedGen CN230087.
Spastic paraplegia. Identifiers: MedGen C0037772, HP:0001258.

Allele frequency attached by ClinVar (database versions not stated): gnomAD 0.00001; gnomAD exomes 0.00001; TOPMed 0.00001; ExAC 0.00003.

Submissions (2):

PreventionGenetics, part of Exact Sciences
Classification: Uncertain significance for GJC2-related condition. Last evaluated: 2025-09-09. Review status: criteria provided, single submitter. Criteria: ACMG Guidelines, 2015. Collection method: clinical testing. Allele origin: germline.
Comment: The GJC2 c.1241G>T variant is predicted to result in the amino acid substitution p.Arg414Leu. To our knowledge, this variant has not been reported in the literature. This variant is reported in 0.0020% of alleles in individuals of European (Non-Finnish) descent in gnomAD. At this time, the clinical significance of this variant is uncertain due to the absence of conclusive functional and genetic evidence.

Labcorp Genetics (formerly Invitae), Labcorp
Classification: Uncertain significance for Spastic paraplegia. Last evaluated: 2020-08-20. Review status: criteria provided, single submitter. Criteria: Invitae Variant Classification Sherloc (09022015). Collection method: clinical testing. Allele origin: germline.
Comment: This sequence change replaces arginine with leucine at codon 414 of the GJC2 protein (p.Arg414Leu). The arginine residue is weakly conserved and there is a moderate physicochemical difference between arginine and leucine. This variant is present in population databases (rs775352391, ExAC 0.005%). This variant has not been reported in the literature in individuals with GJC2-related conditions. Algorithms developed to predict the effect of missense changes on protein structure and function are either unavailable or do not agree on the potential impact of this missense change (SIFT: "Deleterious"; PolyPhen-2: "Benign"; Align-GVGD: "Class C0"). In summary, the available evidence is currently insufficient to determine the role of this variant in disease. Therefore, it has been classified as a Variant of Uncertain Significance.